The following is an entry in ClinVar:

NM_004415.4(DSP):c.4002T>G (p.Phe1334Leu)

Gene: DSP (desmoplakin; plus strand). Cytogenetic location: 6p24.3.
Variant type: single nucleotide variant.
Coding change: c.4002T>G on transcript NM_004415.4 (MANE Select); coding-DNA position 4002, T replaced by G.
Protein change: p.Phe1334Leu; replaces phenylalanine 1334 with leucine.
Molecular consequence: missense variant. On other transcripts: intron variant (1).
Genome position (GRCh38, 1-based): chr6:7,580,192, T>G. VCF-style: chr6-7580192-T-G. GRCh37 (hg19) VCF-style: chr6-7580425-T-G.
Other names: c.4002T>G, p.Phe1334Leu (NM_001319034.2); c.3582+420T>G (NM_001008844.3); short protein forms F1334L.
Identifiers: ClinVar variation 937684 (VCV000937684.10), dbSNP rs1759378577, ClinGen allele CA362685329.
Genomic context (GRCh38, chr6:7,580,192, plus strand): 5'-GGAGGCTGCCAAGACCATTCAGGACAAAAATAAGGAGATCGAGAGACTCAAAGCTGAGTT[T>G]CAGGAGGAGGCCAAGCGCCGCTGGGAATATGAAAATGAACTGAGTAAGGTAAGAAACAAT-3'
Protein context (NP_004406.2, residues 1324-1344): NKEIERLKAE[Phe1334Leu]QEEAKRRWEY

ClinVar aggregate classification (germline): Uncertain significance (1 of 4 stars; one submission).

Conditions:
Arrhythmogenic right ventricular dysplasia 8 (ARVD8). Also called: ARRHYTHMOGENIC RIGHT VENTRICULAR DYSPLASIA, FAMILIAL, 8; ARRHYTHMOGENIC RIGHT VENTRICULAR CARDIOMYOPATHY 8; Arrhythmogenic Right Ventricular Dysplasia/Cardiomyopathy 8. Identifiers: MedGen C1843896, MONDO:0011831, OMIM 607450.
Arrhythmogenic cardiomyopathy with wooly hair and keratoderma. Also called: Carvajal syndrome; Dilated cardiomyopathy with woolly hair and keratoderma; PALMOPLANTAR KERATODERMA WITH LEFT VENTRICULAR CARDIOMYOPATHY AND WOOLLY HAIR; Arrhythmogenic cardiomyopathy with woolly hair and keratoderma. Identifiers: Orphanet 65282, MedGen C1854063, MONDO:0011581, OMIM 605676.

Submission:

Labcorp Genetics (formerly Invitae), Labcorp
Classification: Uncertain significance for Arrhythmogenic cardiomyopathy with wooly hair and keratoderma; Arrhythmogenic right ventricular dysplasia 8. Last evaluated: 2019-07-24. Review status: criteria provided, single submitter. Criteria: Invitae Variant Classification Sherloc (09022015). Collection method: clinical testing. Allele origin: germline.
Comment: In summary, the available evidence is currently insufficient to determine the role of this variant in disease. Therefore, it has been classified as a Variant of Uncertain Significance. Algorithms developed to predict the effect of missense changes on protein structure and function (SIFT, PolyPhen-2, Align-GVGD) all suggest that this variant is likely to be tolerated, but these predictions have not been confirmed by published functional studies and their clinical significance is uncertain. This variant has not been reported in the literature in individuals with DSP-related conditions. This variant is not present in population databases (ExAC no frequency). This sequence change replaces phenylalanine with leucine at codon 1334 of the DSP protein (p.Phe1334Leu). The phenylalanine residue is moderately conserved and there is a small physicochemical difference between phenylalanine and leucine.